The following is an entry in ClinVar:

NM_004380.3(CREBBP):c.4740C>T (p.Gly1580=)

Gene: CREBBP (CREB binding lysine acetyltransferase; minus strand). Cytogenetic location: 16p13.3.
Variant type: single nucleotide variant.
Coding change: c.4740C>T on transcript NM_004380.3 (MANE Select); coding-DNA position 4740, C replaced by T.
Protein change: p.Gly1580=; no amino-acid change (glycine 1580 retained).
Molecular consequence: synonymous variant.
Genome position (GRCh38, 1-based): chr16:3,731,926, G>A on the plus strand (C>T on the coding strand, the complement: CREBBP is on the minus strand). VCF-style: chr16-3731926-G-A. GRCh37 (hg19) VCF-style: chr16-3781927-G-A.
Other names: c.4626C>T, p.Gly1542= (NM_001079846.1).
Identifiers: ClinVar variation 833980 (VCV000833980.10), dbSNP rs563033919, ClinGen allele CA7869428.

ClinVar aggregate classification (germline): Benign. Review status: criteria provided, single submitter (1 of 4 stars). 2 submissions from 2 submitters: Benign (1). 1 of the submissions does not count toward it. Last evaluated 2019-09-12.

Conditions:
CREBBP-related disorder. Also called: CREBBP-related condition; CREBBP-related disorders.
Rubinstein-Taybi syndrome (RSTS). Identifiers: Orphanet 783, MedGen C0035934, MONDO:0019188.

Allele frequency attached by ClinVar (database versions not stated): gnomAD 0.00001; gnomAD exomes 0.00002 and 0.00003; TOPMed 0.00002; ExAC 0.00004.
gnomAD v4.1: 39 of 1,614,072 alleles (0.0024%); highest among the groups gnomAD compares: Non-Finnish European, 0.003%; no homozygotes.

Submissions (2):

Labcorp Genetics (formerly Invitae), Labcorp
Classification: Benign for Rubinstein-Taybi syndrome. Last evaluated: 2019-09-12. Review status: criteria provided, single submitter. Criteria: Invitae Variant Classification Sherloc (09022015). Collection method: clinical testing. Allele origin: germline.

PreventionGenetics, part of Exact Sciences
Classification: Likely benign for CREBBP-related condition. Last evaluated: 2023-12-29. Review status: no assertion criteria provided. Collection method: clinical testing. Allele origin: germline. Not counted in ClinVar's aggregate classification.
Comment: This variant is classified as likely benign based on ACMG/AMP sequence variant interpretation guidelines (Richards et al. 2015 PMID: 25741868, with internal and published modifications).